The following is an entry in ClinVar:

ClinVar aggregate classification (germline): Benign/Likely benign. Review status: criteria provided, multiple submitters, no conflicts (2 of 4 stars). 3 submissions from 3 submitters: Benign (1); Likely benign (1). 1 of the submissions does not count toward it. Last evaluated 2025-05-02.

Conditions:
P4HB-related disorder. Also called: P4HB-related condition.

Allele frequency attached by ClinVar (database versions not stated): 1000 Genomes Project 30x 0.00016; 1000 Genomes Project 0.00020; ExAC 0.00043.

Submissions (3):

Labcorp Genetics (formerly Invitae), Labcorp
Classification: Benign. Last evaluated: 2025-05-02. Review status: criteria provided, single submitter. Criteria: Invitae Variant Classification Sherloc (09022015). Collection method: clinical testing. Allele origin: germline.

Blueprint Genetics
Classification: Likely benign. Last evaluated: 2024-11-19. Review status: criteria provided, single submitter. Criteria: ACMG Guidelines, 2015. Collection method: clinical testing. Allele origin: germline.

PreventionGenetics, part of Exact Sciences
Classification: Likely benign for P4HB-related condition. Last evaluated: 2019-03-29. Review status: no assertion criteria provided. Collection method: clinical testing. Allele origin: germline. Not counted in ClinVar's aggregate classification.
Comment: This variant is classified as likely benign based on ACMG/AMP sequence variant interpretation guidelines (Richards et al. 2015 PMID: 25741868, with internal and published modifications).

NM_000918.4(P4HB):c.1083G>A (p.Pro361=)

Gene: P4HB (prolyl 4-hydroxylase subunit beta; minus strand). Cytogenetic location: 17q25.3.
Variant type: single nucleotide variant.
Coding change: c.1083G>A on transcript NM_000918.4 (MANE Select); coding-DNA position 1083, G replaced by A.
Protein change: p.Pro361=; no amino-acid change (proline 361 retained).
Molecular consequence: synonymous variant.
Genome position (GRCh38, 1-based): chr17:81,845,965, C>T on the plus strand (G>A on the coding strand, the complement: P4HB is on the minus strand). VCF-style: chr17-81845965-C-T. GRCh37 (hg19) VCF-style: chr17-79803841-C-T.
Other names: c.1083G>A (NM_000918.3).
Identifiers: ClinVar variation 2080955 (VCV002080955.7), dbSNP rs201350121, ClinGen allele CA8842724.